The following is an entry in ClinVar:

NM_006080.3(SEMA3A):c.1370C>T (p.Thr457Ile)

Gene: SEMA3A (semaphorin 3A; minus strand). Cytogenetic location: 7q21.11.
Variant type: single nucleotide variant.
Coding change: c.1370C>T on transcript NM_006080.3 (MANE Select); coding-DNA position 1370, C replaced by T.
Protein change: p.Thr457Ile; replaces threonine 457 with isoleucine.
Molecular consequence: missense variant.
Genome position (GRCh38, 1-based): chr7:84,002,037, G>A on the plus strand (C>T on the coding strand, the complement: SEMA3A is on the minus strand). VCF-style: chr7-84002037-G-A. GRCh37 (hg19) VCF-style: chr7-83631353-G-A.
Other names: short protein forms T457I.
Identifiers: ClinVar variation 4978150 (VCV004978150.1).

ClinVar aggregate classification (germline): Uncertain significance (1 of 4 stars; one submission).

Conditions:
SEMA3A-related disorder. Also called: SEMA3A-related condition.

gnomAD v4.1: 1 of 1,602,784 alleles (0.000062%); highest among the groups gnomAD compares: Non-Finnish European, 0.000085%; no homozygotes.

Submission:

PreventionGenetics, part of Exact Sciences
Classification: Uncertain significance for SEMA3A-related condition. Last evaluated: 2025-06-19. Review status: criteria provided, single submitter. Criteria: ACMG Guidelines, 2015. Collection method: clinical testing. Allele origin: germline.
Comment: The SEMA3A c.1370C>T variant is predicted to result in the amino acid substitution p.Thr457Ile. To our knowledge, this variant has not been reported in the literature. This variant is reported in 0.00089% of alleles in individuals of European (Non-Finnish) descent in gnomAD. At this time, the clinical significance of this variant is uncertain due to the absence of conclusive functional and genetic evidence.